The following is an entry in ClinVar:

NM_138694.4(PKHD1):c.9146A>G (p.His3049Arg)

Gene: PKHD1 (PKHD1 ciliary IPT domain containing fibrocystin/polyductin; minus strand). Cytogenetic location: 6p12.3.
Variant type: single nucleotide variant.
Coding change: c.9146A>G on transcript NM_138694.4 (MANE Select); coding-DNA position 9146, A replaced by G.
Protein change: p.His3049Arg; replaces histidine 3049 with arginine.
Molecular consequence: missense variant.
Genome position (GRCh38, 1-based): chr6:51,748,470, T>C on the plus strand (A>G on the coding strand, the complement: PKHD1 is on the minus strand). VCF-style: chr6-51748470-T-C. GRCh37 (hg19) VCF-style: chr6-51613268-T-C.
Other names: c.9146A>G, p.His3049Arg (NM_170724.3); short protein forms H3049R.
Identifiers: ClinVar variation 522152 (VCV000522152.23), dbSNP rs367678592, ClinGen allele CA3851440.

ClinVar aggregate classification (germline): Conflicting classifications of pathogenicity. Review status: criteria provided, conflicting classifications (1 of 4 stars). 8 submissions from 8 submitters: Likely pathogenic (6); Uncertain significance (1). 1 of the submissions does not count toward it. Last evaluated 2025-12-17.

Conditions:
Autosomal recessive polycystic kidney disease (ARPKD). Also called: AR polycystic kidney disease. Identifiers: Orphanet 731, Orphanet 8378, MedGen C0085548, MeSH D017044, MONDO:0009889.
Polycystic kidney disease 4 (PKD4). Also called: Autosomal Recessive Polycystic Kidney Disease – PKHD1; POLYCYSTIC KIDNEY AND HEPATIC DISEASE 1; POLYCYSTIC KIDNEY DISEASE, INFANTILE, TYPE I; PKD3; POLYCYSTIC KIDNEY DISEASE 4 WITH OR WITHOUT POLYCYSTIC LIVER DISEASE. Identifiers: MedGen C4540575, MONDO:0033004, OMIM 263200.
Inborn genetic diseases. Identifiers: MedGen C0950123, MeSH D030342.
Polycystic kidney disease. Also called: Polycystic kidney dysplasia; Kidney, Polycystic. Identifiers: MedGen C0022680, MeSH D007690, MONDO:0020642, HP:0000113.

Allele frequency attached by ClinVar (database versions not stated): TOPMed below 0.00001; gnomAD exomes 0.00001 and 0.00003; ExAC 0.00002; ESP Exome Variant Server 0.00008.
gnomAD v4.1: 19 of 1,614,022 alleles (0.0012%); highest among the groups gnomAD compares: Non-Finnish European, 0.0015%; no homozygotes.

Submissions (8):

GeneDx
Classification: Likely pathogenic. Last evaluated: 2025-12-17. Review status: criteria provided, single submitter. Criteria: GeneDx Variant Classification Process June 2021. Collection method: clinical testing. Allele origin: germline.
Comment: Not observed at significant frequency in large population cohorts (gnomAD); In silico analysis supports that this missense variant has a deleterious effect on protein structure/function; This variant is associated with the following publications: (PMID: 20413436, 38156543, 23041322, 27752906, 19914852, 31395954)

Natera, Inc.
Classification: Likely pathogenic for Autosomal recessive polycystic kidney disease. Last evaluated: 2025-07-27. Review status: criteria provided, single submitter. Criteria: Natera Variant Classification Schema (03/2026). Collection method: clinical testing. Allele origin: germline.
Comment: The c.9146A>G variant in PKHD1 is a missense variant predicted to cause substitution of histidine to arginine at amino acid 3049. This variant is rare in the general population with a frequency below the threshold expected for the associated phenotype(s). This variant has been observed in one or more individuals affected with the associated recessive disease, as either homozygous or compound heterozygous with a second variant (PMID: 19914852, 27752906, 31395954). Given the available evidence, this variant is classified as Likely Pathogenic.

Women's Health and Genetics/Laboratory Corporation of America, LabCorp
Classification: Likely pathogenic for Autosomal recessive polycystic kidney disease. Last evaluated: 2025-06-10. Review status: criteria provided, single submitter. Criteria: LabCorp Variant Classification Summary - May 2015. Collection method: clinical testing. Allele origin: germline.
Comment: Variant summary: PKHD1 c.9146A>G (p.His3049Arg) results in a non-conservative amino acid change in the encoded protein sequence. Algorithms developed to predict the effect of missense changes on protein structure and function are either unavailable or do not agree on the potential impact of this missense change. The variant allele was found at a frequency of 1.2e-05 in 251028 control chromosomes. c.9146A>G has been observed in compound heterozygous individual(s) affected with Polycystic Kidney And Hepatic Disease (Gunay-Aygun_2010, Wojcik_2019, Tong_2016). These data indicate that the variant is likely to be associated with disease. To our knowledge, no experimental evidence demonstrating an impact on protein function has been reported. The following publications have been ascertained in the context of this evaluation (PMID: 20413436, 19914852, 27752906, 31395954). ClinVar contains an entry for this variant (Variation ID: 522152). Based on the evidence outlined above, the variant was classified as likely pathogenic.

Labcorp Genetics (formerly Invitae), Labcorp
Classification: Likely pathogenic for Autosomal recessive polycystic kidney disease. Last evaluated: 2025-02-10. Review status: criteria provided, single submitter. Criteria: Invitae Variant Classification Sherloc (09022015). Collection method: clinical testing. Allele origin: germline.
Comment: This sequence change replaces histidine, which is basic and polar, with arginine, which is basic and polar, at codon 3049 of the PKHD1 protein (p.His3049Arg). This variant is present in population databases (rs367678592, gnomAD 0.004%). This missense change has been observed in individual(s) with autosomal recessive polycystic kidney disease (PMID: 19914852, 20413436, 31395954). In at least one individual the data is consistent with being in trans (on the opposite chromosome) from a pathogenic variant. ClinVar contains an entry for this variant (Variation ID: 522152). Invitae Evidence Modeling of protein sequence and biophysical properties (such as structural, functional, and spatial information, amino acid conservation, physicochemical variation, residue mobility, and thermodynamic stability) has been performed for this missense variant. However, the output from this modeling did not meet the statistical confidence thresholds required to predict the impact of this variant on PKHD1 protein function. In summary, the currently available evidence indicates that the variant is pathogenic, but additional data are needed to prove that conclusively. Therefore, this variant has been classified as Likely Pathogenic.

Fulgent Genetics
Classification: Likely pathogenic for Polycystic kidney disease 4. Last evaluated: 2024-05-25. Review status: criteria provided, single submitter. Criteria: ACMG Guidelines, 2015. Collection method: clinical testing. Allele origin: germline.

Blueprint Genetics
Classification: Uncertain significance. Last evaluated: 2024-03-16. Review status: criteria provided, single submitter. Criteria: ACMG Guidelines, 2015. Collection method: clinical testing. Allele origin: germline.

Ambry Genetics
Classification: Likely pathogenic for Inborn genetic diseases. Last evaluated: 2023-10-19. Review status: criteria provided, single submitter. Criteria: Ambry Variant Classification Scheme 2023. Collection method: clinical testing. Allele origin: germline.
Comment: The c.9146A>G (p.H3049R) alteration is located in exon 58 (coding exon 57) of the PKHD1 gene. This alteration results from an A to G substitution at nucleotide position 9146, causing the histidine (H) at amino acid position 3049 to be replaced by an arginine (R). Based on data from gnomAD, the G allele has an overall frequency of 0.001% (3/251028) total alleles studied. The highest observed frequency was 0.003% (3/113480) of European (non-Finnish) alleles. This variant has been reported in trans with a second PKHD1 variant in multiple individuals diagnosed with autosomal recessive polycystic kidney disease (Gunay-Aygun, 2010). This amino acid position is well conserved in available mammalian species. This alteration is predicted to be tolerated by in silico analysis. Based on the available evidence, this alteration is classified as likely pathogenic.

Department of Pathology and Laboratory Medicine, Sinai Health System
Classification: Likely pathogenic for Polycystic Kidney disease. Review status: no assertion criteria provided. Collection method: clinical testing. Allele origin: unknown. Affected: yes. Observed: 1 variant allele. Study: The Canadian Open Genetics Repository (COGR). Not counted in ClinVar's aggregate classification.
Comment: The PKHD1 p.His3049Arg variant was identified in 4 of 166 proband chromosomes (frequency: 0.024) from individuals or families with ARPKD and was not identified in 400 control chromosomes from healthy individuals (Gunay-Aygun 2010, Tong 2016). The variant was also identified in dbSNP (ID: rs367678592) as "With Uncertain significance allele", in ClinVar (classified as uncertain significance by Ambry Genetics), LOVD 3.0, and in RWTH AAachen University ARPKD database (possibly pathogenic). The variant was identified in control databases in 4 of 245786 chromosomes at a frequency of 0.000016 (Genome Aggregation Database Feb 27, 2017). The variant was observed in European population in 4 of 111412 chromosomes (freq: 0.000036), but not in the African, Other, Latino, Ashkenazi Jewish, East Asian, Finnish, and South Asian populations. The p.His3049 residue is not conserved in mammals and four out of five computational analyses (PolyPhen-2, SIFT, AlignGVGD, BLOSUM, MutationTaster) do not suggest a high likelihood of impact to the protein; however, this information is not predictive enough to rule out pathogenicity. The variant occurs outside of the splicing consensus sequence and in silico or computational prediction software programs (SpliceSiteFinder, MaxEntScan, NNSPLICE, GeneSplicer) do not predict a difference in splicing. In summary, based on the above information the clinical significance of this variant cannot be determined with certainty at this time although we would lean towards a more pathogenic role for this variant. This variant is classified as likely pathogenic.

Literature cited by the submitters: PubMed 19914852 (cited by 4 submitters); PubMed 27752906 (cited by Natera, Inc. and Women's Health and Genetics/Laboratory Corporation of America, LabCorp); PubMed 31395954 (cited by 3 submitters); PubMed 20413436 (cited by Women's Health and Genetics/Laboratory Corporation of America, LabCorp and Labcorp Genetics (formerly Invitae), Labcorp); PubMed 23041322 (cited by Ambry Genetics).